The following is an entry in ClinVar:

ClinVar aggregate classification (germline): Benign. Review status: criteria provided, multiple submitters, no conflicts (2 of 4 stars). 3 submissions from 3 submitters: Benign (3). Last evaluated 2018-06-29.

Conditions:
COG6-congenital disorder of glycosylation. Also called: CONGENITAL DISORDER OF GLYCOSYLATION, TYPE IIl; CDG IIl; COG6-ongenital disorder of glycosylation; COG6-CGD. Identifiers: Orphanet 464443, MedGen C3553230, MONDO:0013810, OMIM 614576.

Allele frequency attached by ClinVar (database versions not stated): gnomAD 0.40944 and 0.41540; TOPMed 0.42987; gnomAD exomes 0.46289; 1000 Genomes Project 30x 0.46346; 1000 Genomes Project 0.46645; ExAC 0.51466.
gnomAD v4.1: 641,356 of 1,562,708 alleles (41%); highest among the groups gnomAD compares: Admixed American, 61%; 134,974 homozygotes.

Submissions (3):

GeneDx
Classification: Benign. Last evaluated: 2018-06-29. Review status: criteria provided, single submitter. Criteria: GeneDx Variant Classification Process June 2021. Collection method: clinical testing. Allele origin: germline. Affected: yes.

Illumina Laboratory Services, Illumina
Classification: Benign for COG6-congenital disorder of glycosylation. Last evaluated: 2018-01-13. Review status: criteria provided, single submitter. Criteria: ICSL Variant Classification Criteria 13 December 2019. Collection method: clinical testing. Allele origin: germline.
Comment: This variant was observed in the ICSL laboratory as part of a predisposition screen in an ostensibly healthy population. It had not been previously curated by ICSL or reported in the Human Gene Mutation Database (HGMD: prior to June 1st, 2018), and was therefore a candidate for classification through an automated scoring system. Utilizing variant allele frequency, disease prevalence and penetrance estimates, and inheritance mode, an automated score was calculated to assess if this variant is too frequent to cause the disease. Based on the score and internal cut-off values, a variant classified as benign is not then subjected to further curation. The score for this variant resulted in a classification of benign for this disease.

Breakthrough Genomics
Classification: Benign. Review status: criteria provided, single submitter. Criteria: ACMG Guidelines, 2015. Collection method: not provided. Allele origin: germline. Inheritance: Autosomal recessive inheritance. Affected: yes.

NM_020751.3(COG6):c.*80C>T

Gene: COG6 (component of oligomeric golgi complex 6; plus strand). Cytogenetic location: 13q14.11.
Variant type: single nucleotide variant.
Coding change: c.*80C>T on transcript NM_020751.3 (MANE Select); 80 bases downstream of the stop codon, C replaced by T.
Molecular consequence: 3 prime UTR variant. On other transcripts: non-coding transcript variant (1), intron variant (1).
Genome position (GRCh38, 1-based): chr13:39,751,173, C>T. VCF-style: chr13-39751173-C-T. GRCh37 (hg19) VCF-style: chr13-40325310-C-T.
Other names: c.1826+23625C>T (NM_001145079.2).
Identifiers: ClinVar variation 312153 (VCV000312153.8), dbSNP rs4245396, ClinGen allele CA6958869.